The following is an entry in ClinVar:

ClinVar aggregate classification (germline): Uncertain significance (1 of 4 stars; one submission).

Conditions:
LAMA2-related muscular dystrophy (LAMA2-RD). Also called: Laminin alpha 2-related dystrophy. Identifiers: MedGen C5679788, MONDO:0100228.

Allele frequency attached by ClinVar (database versions not stated): TOPMed below 0.00001; gnomAD exomes 0.00001; ExAC 0.00002.
gnomAD v4.1: 19 of 1,613,814 alleles (0.0012%); highest among the groups gnomAD compares: Middle Eastern, 0.066%; no homozygotes.

Submission:

Labcorp Genetics (formerly Invitae), Labcorp
Classification: Uncertain significance for LAMA2-related muscular dystrophy. Last evaluated: 2022-07-04. Review status: criteria provided, single submitter. Criteria: Invitae Variant Classification Sherloc (09022015). Collection method: clinical testing. Allele origin: germline.
Comment: This sequence change replaces arginine, which is basic and polar, with tryptophan, which is neutral and slightly polar, at codon 1976 of the LAMA2 protein (p.Arg1976Trp). This variant is present in population databases (rs751046931, gnomAD 0.002%). This variant has not been reported in the literature in individuals affected with LAMA2-related conditions. Advanced modeling of protein sequence and biophysical properties (such as structural, functional, and spatial information, amino acid conservation, physicochemical variation, residue mobility, and thermodynamic stability) performed at Invitae indicates that this missense variant is not expected to disrupt LAMA2 protein function. In summary, the available evidence is currently insufficient to determine the role of this variant in disease. Therefore, it has been classified as a Variant of Uncertain Significance.

NM_000426.4(LAMA2):c.5926A>T (p.Arg1976Trp)

Gene: LAMA2 (laminin subunit alpha 2; plus strand). Cytogenetic location: 6q22.33.
Variant type: single nucleotide variant.
Coding change: c.5926A>T on transcript NM_000426.4 (MANE Select); coding-DNA position 5926, A replaced by T.
Protein change: p.Arg1976Trp; replaces arginine 1976 with tryptophan.
Molecular consequence: missense variant.
Genome position (GRCh38, 1-based): chr6:129,427,812, A>T. VCF-style: chr6-129427812-A-T. GRCh37 (hg19) VCF-style: chr6-129748957-A-T.
Other names: c.5926A>T, p.Arg1976Trp (NM_001079823.2); short protein forms R1976W.
Identifiers: ClinVar variation 2046730 (VCV002046730.1), dbSNP rs751046931, ClinGen allele CA3994031.